The following is an entry in ClinVar:

NM_001353108.3(CEP63):c.338G>T (p.Ser113Ile)

Gene: CEP63 (centrosomal protein 63; plus strand). Cytogenetic location: 3q22.2.
Variant type: single nucleotide variant.
Coding change: c.338G>T on transcript NM_001353108.3 (MANE Select); coding-DNA position 338, G replaced by T.
Protein change: p.Ser113Ile; replaces serine 113 with isoleucine.
Molecular consequence: missense variant. On other transcripts: 5 prime UTR variant (1), non-coding transcript variant (4).
Genome position (GRCh38, 1-based): chr3:134,532,797, G>T. VCF-style: chr3-134532797-G-T. GRCh37 (hg19) VCF-style: chr3-134251639-G-T.
Other names: c.338G>T, p.Ser113Ile (NM_001042383.2, NM_001042384.2, NM_001042400.3 and 13 more transcripts); c.365G>T, p.Ser122Ile (NM_001353118.1); c.254G>T, p.Ser85Ile (NM_001353125.2); c.-26G>T (NM_001353126.2); short protein forms S122I, S85I, S113I.
Identifiers: ClinVar variation 2112530 (VCV002112530.1), dbSNP rs2546789967, ClinGen allele CA354623296.
Genomic context (GRCh38, chr3:134,532,797, plus strand): 5'-AAATTCTTAAACTTTAAATATAGAAATAACTGTTTCTACAGTTATGCATACTGAAGAGAA[G>T]CTATGAAAAGCTTCAGAAAAAGCAAATGAGGGAATTCAGAGGAAATACCAAAAATCACAG-3'
Protein context (NP_001340037.1, residues 103-123): LHEELCILKR[Ser113Ile]YEKLQKKQMR

ClinVar aggregate classification (germline): Uncertain significance (1 of 4 stars; one submission).

Submission:

Labcorp Genetics (formerly Invitae), Labcorp
Classification: Uncertain significance. Last evaluated: 2022-10-25. Review status: criteria provided, single submitter. Criteria: Invitae Variant Classification Sherloc (09022015). Collection method: clinical testing. Allele origin: germline.
Comment: This sequence change replaces serine, which is neutral and polar, with isoleucine, which is neutral and non-polar, at codon 113 of the CEP63 protein (p.Ser113Ile). This variant is not present in population databases (gnomAD no frequency). This variant has not been reported in the literature in individuals affected with CEP63-related conditions. Algorithms developed to predict the effect of missense changes on protein structure and function (SIFT, PolyPhen-2, Align-GVGD) all suggest that this variant is likely to be disruptive. In summary, the available evidence is currently insufficient to determine the role of this variant in disease. Therefore, it has been classified as a Variant of Uncertain Significance.